The following is an entry in ClinVar:

ClinVar aggregate classification (germline): Uncertain significance (1 of 4 stars; one submission).

Conditions:
Hereditary cancer-predisposing syndrome. Also called: Neoplastic Syndromes, Hereditary; Tumor predisposition; Hereditary Cancer Syndrome; Hereditary neoplastic syndrome. Identifiers: Orphanet 140162, MedGen C0027672, MeSH D009386, MONDO:0015356.

Submission:

Ambry Genetics
Classification: Uncertain significance for Hereditary cancer-predisposing syndrome. Last evaluated: 2026-03-11. Review status: criteria provided, single submitter. Criteria: Ambry Variant Classification Scheme 2023. Collection method: clinical testing. Allele origin: germline.
Comment: The c.3727dupG variant, located in coding exon 22 of the PTCH1 gene, results from a duplication of G at nucleotide position 3727, causing a translational frameshift with a predicted alternate stop codon (p.A1243Gfs*82). This alteration is expected to result in loss of function by premature protein truncation or nonsense-mediated mRNA decay. However, it occurs near the 3' terminus of PTCH1 where no known functional domains are located. Alterations in this region have been observed in individuals who do not have a personal or family history that is consistent with or suggestive of PTCH1-associated disease (Ambry internal data). Based on the available evidence, the clinical significance of this variant remains unclear.

NM_000264.5(PTCH1):c.3727dup (p.Ala1243fs)

Gene: PTCH1 (patched 1; minus strand). Cytogenetic location: 9q22.32.
Variant type: Duplication.
Coding change: c.3727dup on transcript NM_000264.5 (MANE Select); coding-DNA position 3727, one base duplicated (G; older notation c.3727dupG).
Protein change: p.Ala1243fs; shifts the reading frame from alanine 1243.
Molecular consequence: frameshift variant. On other transcripts: non-coding transcript variant (1).
Genome position (GRCh38, 1-based): chr9:95,449,146, C duplicated on the plus strand (G on the coding strand, the reverse complement: PTCH1 is on the minus strand); the first of 2 consecutive C bases (chr9:95,449,146-95,449,147); duplicating either gives the same sequence. VCF-style (leftmost placement, unchanged base first): chr9-95449145-G-GC. GRCh37 (hg19) VCF-style: chr9-98211427-G-GC.
Other names: c.3727dupG (NM_000264.3); c.3529dup, p.Ala1177fs (NM_001083602.3); c.3724dup, p.Ala1242fs (NM_001083603.3); c.3274dup, p.Ala1092fs (NM_001083604.3, NM_001083605.3, NM_001083606.3 and 1 more transcripts); c.3571dup, p.Ala1191fs (NM_001354918.2); short protein forms A1191fs, A1242fs, A1177fs, A1243fs, A1092fs.
Identifiers: ClinVar variation 4826368 (VCV004826368.1).